The following is an entry in ClinVar:

NM_017755.6(NSUN2):c.1549G>T (p.Glu517Ter)

Gene: NSUN2 (NOP2/Sun RNA methyltransferase 2; minus strand). Cytogenetic location: 5p15.31.
Variant type: single nucleotide variant.
Coding change: c.1549G>T on transcript NM_017755.6 (MANE Select); coding-DNA position 1549, G replaced by T.
Protein change: p.Glu517Ter; replaces glutamic acid 517 with a stop codon.
Molecular consequence: nonsense. On other transcripts: non-coding transcript variant (1).
Genome position (GRCh38, 1-based): chr5:6,606,872, C>A on the plus strand (G>T on the coding strand, the complement: NSUN2 is on the minus strand). VCF-style: chr5-6606872-C-A. GRCh37 (hg19) VCF-style: chr5-6606985-C-A.
Other names: c.1444G>T, p.Glu482Ter (NM_001193455.2); short protein forms E482*, E517*.
Identifiers: ClinVar variation 5018683 (VCV005018683.2).

ClinVar aggregate classification (germline): Likely pathogenic (1 of 4 stars; one submission).

Conditions:
Intellectual developmental disorder, autosomal recessive 5. Also called: Intellectual disability, autosomal recessive 5. Identifiers: Orphanet 88616, MedGen C1970199, MONDO:0012613, OMIM 611091.

gnomAD v4.1: 1 of 1,597,068 alleles (0.000063%); highest among the groups gnomAD compares: East Asian, 0.0022%; no homozygotes.

Submission:

Juno Genomics, Hangzhou Juno Genomics, Inc
Classification: Likely pathogenic for Intellectual developmental disorder, autosomal recessive 5. Review status: criteria provided, single submitter. Criteria: ACMG Guidelines, 2015. Collection method: clinical testing. Allele origin: germline.
Comment: Absent from controls (or at extremely low frequency if recessive) in Genome Aggregation Database.;Null variant in a gene where loss of function (LOF) is a known mechanism of disease.